The following is an entry in ClinVar:

NM_004187.5(KDM5C):c.3174C>G (p.Gly1058=)

Gene: KDM5C (lysine demethylase 5C; minus strand). Cytogenetic location: Xp11.22.
Variant type: single nucleotide variant.
Coding change: c.3174C>G on transcript NM_004187.5 (MANE Select); coding-DNA position 3174, C replaced by G.
Protein change: p.Gly1058=; no amino-acid change (glycine 1058 retained).
Molecular consequence: synonymous variant. On other transcripts: non-coding transcript variant (3).
Genome position (GRCh38, 1-based): chrX:53,195,357, G>C on the plus strand (C>G on the coding strand, the complement: KDM5C is on the minus strand). VCF-style: chrX-53195357-G-C. GRCh37 (hg19) VCF-style: chrX-53224539-G-C.
Other names: c.3174C>G, p.Gly1058= (NM_001353978.3, NM_001353981.2, NM_001353984.2); c.3171C>G, p.Gly1057= (NM_001353979.2, NM_001353982.2, NM_001282622.3); c.2973C>G, p.Gly991= (NM_001146702.2).
Identifiers: ClinVar variation 810610 (VCV000810610.43), dbSNP rs782153358, ClinGen allele CA516422483.

ClinVar aggregate classification (germline): Likely benign. Review status: criteria provided, multiple submitters, no conflicts (2 of 4 stars). 2 submissions from 2 submitters: Likely benign (2). Last evaluated 2025-11-05.

Conditions:
Spastic paraplegia. Identifiers: MedGen C0037772, HP:0001258.

Submissions (2):

Labcorp Genetics (formerly Invitae), Labcorp
Classification: Likely benign for Spastic paraplegia. Last evaluated: 2025-11-05. Review status: criteria provided, single submitter. Criteria: Invitae Variant Classification Sherloc (09022015). Collection method: clinical testing. Allele origin: germline.

CeGaT Center for Human Genetics Tuebingen
Classification: Likely benign. Last evaluated: 2023-01-01. Review status: criteria provided, single submitter. Criteria: CeGaT Center For Human Genetics Tuebingen Variant Classification Criteria Version 2. Collection method: clinical testing. Allele origin: germline. Affected: yes. Observed: 2 variant alleles.
Comment: KDM5C: PM2:Supporting, BP4, BP7